The following is an entry in ClinVar:

ClinVar aggregate classification (germline): Uncertain significance (1 of 4 stars; one submission).

Conditions:
Glucose-6-phosphate transport defect (GSD1B). Also called: GSD Ib; Glycogen Storage Disease Type Ib. Identifiers: Orphanet 364, Orphanet 79259, MedGen C0268146, MONDO:0009288, OMIM 232220.

Allele frequency attached by ClinVar (database versions not stated): gnomAD exomes below 0.00001 and 0.00001; TOPMed below 0.00001.

Submission:

Labcorp Genetics (formerly Invitae), Labcorp
Classification: Uncertain significance for Glucose-6-phosphate transport defect. Last evaluated: 2025-06-27. Review status: criteria provided, single submitter. Criteria: Invitae Variant Classification Sherloc (09022015). Collection method: clinical testing. Allele origin: germline.
Comment: This sequence change replaces glycine, which is neutral and non-polar, with aspartic acid, which is acidic and polar, at codon 247 of the SLC37A4 protein (p.Gly247Asp). This variant is present in population databases (no rsID available, gnomAD 0.0009%). This variant has not been reported in the literature in individuals affected with SLC37A4-related conditions. ClinVar contains an entry for this variant (Variation ID: 1037192). Invitae Evidence Modeling of protein sequence and biophysical properties (such as structural, functional, and spatial information, amino acid conservation, physicochemical variation, residue mobility, and thermodynamic stability) indicates that this missense variant is expected to disrupt SLC37A4 protein function with a positive predictive value of 80%. In summary, the available evidence is currently insufficient to determine the role of this variant in disease. Therefore, it has been classified as a Variant of Uncertain Significance.

NM_001164277.2(SLC37A4):c.740G>A (p.Gly247Asp)

Gene: SLC37A4 (solute carrier family 37 member 4; minus strand). Cytogenetic location: 11q23.3.
Variant type: single nucleotide variant.
Coding change: c.740G>A on transcript NM_001164277.2 (MANE Select); coding-DNA position 740, G replaced by A.
Protein change: p.Gly247Asp; replaces glycine 247 with aspartic acid.
Molecular consequence: missense variant.
Genome position (GRCh38, 1-based): chr11:119,026,981, C>T on the plus strand (G>A on the coding strand, the complement: SLC37A4 is on the minus strand). VCF-style: chr11-119026981-C-T. GRCh37 (hg19) VCF-style: chr11-118897691-C-T.
Other names: c.740G>A, p.Gly247Asp (NM_001164278.2, NM_001164280.2, NM_001467.6); c.521G>A, p.Gly174Asp (NM_001164279.2); short protein forms G174D, G247D.
Identifiers: ClinVar variation 1037192 (VCV001037192.3), dbSNP rs1345697523, ClinGen allele CA382901060.
Genomic context (GRCh38, chr11:119,026,981, plus strand): 5'-CCCATGCTCATCTTACCTACAAGGGCTGACTGTCCTTTCTCCTGGATAAGGAAGAACTGG[C>T]CCCAGTCAGTACAGCAGGTCTTTACTCCAAACACCACAAGGTAACCAGTGGAGAGCACCC-3'
Protein context (NP_001157749.1, residues 237-257): FGVKTCCTDW[Gly247Asp]QFFLIQEKGQ